The following is an entry in ClinVar:

ClinVar aggregate classification (germline): Likely pathogenic (1 of 4 stars; one submission).

Conditions:
Alstrom syndrome (ALMS). Identifiers: Orphanet 64, MedGen C0268425, MONDO:0008763, OMIM 203800.

Allele frequency attached by ClinVar (database versions not stated): gnomAD exomes below 0.00001; TOPMed 0.00001.
gnomAD v4.1: 3 of 1,608,752 alleles (0.00019%); highest among the groups gnomAD compares: African/African-American, 0.0013%; no homozygotes.

Submission:

Labcorp Genetics (formerly Invitae), Labcorp
Classification: Likely pathogenic for Alstrom syndrome. Last evaluated: 2025-12-24. Review status: criteria provided, single submitter. Criteria: Invitae Variant Classification Sherloc (09022015). Collection method: clinical testing. Allele origin: germline.
Comment: This sequence change affects a donor splice site in intron 2 of the ALMS1 gene. It is expected to disrupt RNA splicing. Variants that disrupt the donor or acceptor splice site typically lead to a loss of protein function (PMID: 16199547), and loss-of-function variants in ALMS1 are known to be pathogenic (PMID: 17594715). This variant is present in population databases (no rsID available, gnomAD 0.004%). This variant has not been reported in the literature in individuals affected with ALMS1-related conditions. ClinVar contains an entry for this variant (Variation ID: 1485746). Algorithms developed to predict the effect of sequence changes on RNA splicing suggest that this variant may disrupt the consensus splice site. In summary, the currently available evidence indicates that the variant is pathogenic, but additional data are needed to prove that conclusively. Therefore, this variant has been classified as Likely Pathogenic.

Literature cited by the submitters: PubMed 16199547; PubMed 17594715.

NM_001378454.1(ALMS1):c.450+1G>A

Gene: ALMS1 (ALMS1 centrosome and basal body associated protein; plus strand). Cytogenetic location: 2p13.1.
Variant type: single nucleotide variant.
Coding change: c.450+1G>A on transcript NM_001378454.1 (MANE Select); the canonical splice donor site of the intron after coding-DNA position 450, G replaced by A.
Molecular consequence: splice donor variant.
Genome position (GRCh38, 1-based): chr2:73,408,748, G>A. VCF-style: chr2-73408748-G-A. GRCh37 (hg19) VCF-style: chr2-73635876-G-A.
Other names: c.450+1G>A (NM_015120.4).
Identifiers: ClinVar variation 1485746 (VCV001485746.6), dbSNP rs1302255267, ClinGen allele CA347257753.
Genomic context (GRCh38, chr2:73,408,748, plus strand): 5'-TCTGATACTAATGTGGTCTGTTTGGAAACAACAGCTCAGCGGGGTTCTGGGGATGATCAG[G>A]TATGTCTTCTGTAACTGGCTAACTTTTTTTTTTTGATAAGCAGCACAAGAAATTCTGATT-3'